The following is an entry in ClinVar:

NM_003719.5(PDE8B):c.1764A>G (p.Glu588=)

Gene: PDE8B (phosphodiesterase 8B; plus strand). Cytogenetic location: 5q13.3.
Variant type: single nucleotide variant.
Coding change: c.1764A>G on transcript NM_003719.5 (MANE Select); coding-DNA position 1764, A replaced by G.
Protein change: p.Glu588=; no amino-acid change (glutamic acid 588 retained).
Molecular consequence: synonymous variant.
Genome position (GRCh38, 1-based): chr5:77,413,162, A>G. VCF-style: chr5-77413162-A-G. GRCh37 (hg19) VCF-style: chr5-76708987-A-G.
Other names: p.Glu588=; c.1473A>G, p.Glu491= (NM_001029851.4); c.1599A>G, p.Glu533= (NM_001029852.4); c.1704A>G, p.Glu568= (NM_001029853.4); c.1623A>G, p.Glu541= (NM_001029854.4); c.1761A>G, p.Glu587= (NM_001349748.3, NM_001349751.3); c.1827A>G, p.Glu609= (NM_001349749.3); c.1524A>G, p.Glu508= (NM_001349750.3); and 14 more.
Identifiers: ClinVar variation 354164 (VCV000354164.17), dbSNP rs335614, ClinGen allele CA3315350.

ClinVar aggregate classification (germline): Benign. Review status: criteria provided, multiple submitters, no conflicts (2 of 4 stars). 6 submissions from 6 submitters: Benign (6). Last evaluated 2026-02-04.

Conditions:
Autosomal dominant striatal neurodegeneration type 1. Identifiers: Orphanet 228169, MedGen C4310808, MONDO:0012205, OMIM 609161.

Allele frequency attached by ClinVar (database versions not stated): gnomAD exomes 0.65702 and 0.70037; ESP Exome Variant Server 0.69514; ExAC 0.70312; gnomAD 0.70706 and 0.70895; TOPMed 0.70864; 1000 Genomes Project 30x 0.76437; 1000 Genomes Project 0.76518.
gnomAD v4.1: 1,068,978 of 1,613,320 alleles (66%); highest among the groups gnomAD compares: East Asian, 82%; 356,893 homozygotes.

Submissions (6):

Labcorp Genetics (formerly Invitae), Labcorp
Classification: Benign. Last evaluated: 2026-02-04. Review status: criteria provided, single submitter. Criteria: Invitae Variant Classification Sherloc (09022015). Collection method: clinical testing. Allele origin: germline.

Blueprint Genetics
Classification: Benign. Last evaluated: 2024-11-26. Review status: criteria provided, single submitter. Criteria: ACMG Guidelines, 2015. Collection method: clinical testing. Allele origin: germline.

Mayo Clinic Laboratories, Mayo Clinic
Classification: Benign. Last evaluated: 2022-03-24. Review status: criteria provided, single submitter. Criteria: ACMG Guidelines, 2015. Collection method: clinical testing. Allele origin: germline. Observed: 564 variant alleles.

Genome-Nilou Lab
Classification: Benign for Autosomal dominant striatal neurodegeneration type 1. Last evaluated: 2021-09-05. Review status: criteria provided, single submitter. Criteria: ACMG Guidelines, 2015. Collection method: clinical testing. Allele origin: germline. Affected: no.

Illumina Laboratory Services, Illumina
Classification: Benign for Autosomal dominant striatal neurodegeneration type 1. Last evaluated: 2018-01-13. Review status: criteria provided, single submitter. Criteria: ICSL Variant Classification Criteria 13 December 2019. Collection method: clinical testing. Allele origin: germline.
Comment: This variant was observed in the ICSL laboratory as part of a predisposition screen in an ostensibly healthy population. It had not been previously curated by ICSL or reported in the Human Gene Mutation Database (HGMD: prior to June 1st, 2018), and was therefore a candidate for classification through an automated scoring system. Utilizing variant allele frequency, disease prevalence and penetrance estimates, and inheritance mode, an automated score was calculated to assess if this variant is too frequent to cause the disease. Based on the score and internal cut-off values, a variant classified as benign is not then subjected to further curation. The score for this variant resulted in a classification of benign for this disease.

Breakthrough Genomics
Classification: Benign. Review status: criteria provided, single submitter. Criteria: ACMG Guidelines, 2015. Collection method: not provided. Allele origin: germline. Inheritance: Autosomal dominant inheritance. Affected: yes.